The following is an entry in ClinVar:

NM_018662.3(DISC1):c.196C>T (p.Arg66Trp)

Genes: DISC1 (DISC1 scaffold protein; plus strand), TSNAX-DISC1 (TSNAX-DISC1 readthrough (NMD candidate); plus strand). Cytogenetic location: 1q42.2.
Variant type: single nucleotide variant.
Coding change: c.196C>T on transcript NM_018662.3 (MANE Select); coding-DNA position 196, C replaced by T.
Protein change: p.Arg66Trp; replaces arginine 66 with tryptophan.
Molecular consequence: missense variant. On other transcripts: non-coding transcript variant (8), intron variant (1).
Genome position (GRCh38, 1-based): chr1:231,693,954, C>T. VCF-style: chr1-231693954-C-T. GRCh37 (hg19) VCF-style: chr1-231829700-C-T.
Other names: c.196C>T, p.Arg66Trp (NM_001012957.2, NM_001012958.2, NM_001012959.2 and 18 more transcripts); c.68-55972C>T (NM_001164556.2); short protein forms R66W.
Identifiers: ClinVar variation 785956 (VCV000785956.7), dbSNP rs147261047, ClinGen allele CA1453556.

ClinVar aggregate classification (germline): Conflicting classifications of pathogenicity. Review status: criteria provided, conflicting classifications (1 of 4 stars). 4 submissions from 4 submitters: Uncertain significance (1); Likely benign (2). 1 of the submissions does not count toward it. Last evaluated 2025-08-06.

Conditions:
DISC1-related disorder. Also called: DISC1-related condition.

Allele frequency attached by ClinVar (database versions not stated): gnomAD exomes 0.00030 and 0.00068; ExAC 0.00084; gnomAD 0.00259 and 0.00273; TOPMed 0.00269; ESP Exome Variant Server 0.00300; 1000 Genomes Project 30x 0.00437; 1000 Genomes Project 0.00439.
gnomAD v4.1: 845 of 1,614,094 alleles (0.052%); highest among the groups gnomAD compares: African/African-American, 0.91%; 6 homozygotes.

Submissions (4):

Ambry Genetics
Classification: Uncertain significance. Last evaluated: 2025-08-06. Review status: criteria provided, single submitter. Criteria: Ambry Variant Classification Scheme 2023. Collection method: clinical testing. Allele origin: germline.

Labcorp Genetics (formerly Invitae), Labcorp
Classification: Likely benign. Last evaluated: 2018-06-16. Review status: criteria provided, single submitter. Criteria: Invitae Variant Classification Sherloc (09022015). Collection method: clinical testing. Allele origin: germline.

Breakthrough Genomics
Classification: Likely benign. Review status: criteria provided, single submitter. Criteria: ACMG Guidelines, 2015. Collection method: not provided. Allele origin: germline. Inheritance: Unknown mechanism. Affected: yes.

PreventionGenetics, part of Exact Sciences
Classification: Likely benign for DISC1-related condition. Last evaluated: 2024-02-24. Review status: no assertion criteria provided. Collection method: clinical testing. Allele origin: germline. Not counted in ClinVar's aggregate classification.
Comment: This variant is classified as likely benign based on ACMG/AMP sequence variant interpretation guidelines (Richards et al. 2015 PMID: 25741868, with internal and published modifications).